The following is an entry in ClinVar:

ClinVar aggregate classification (germline): Uncertain significance (1 of 4 stars; one submission).

Conditions:
Hereditary cancer-predisposing syndrome. Also called: Neoplastic Syndromes, Hereditary; Tumor predisposition; Hereditary Cancer Syndrome; Hereditary neoplastic syndrome. Identifiers: Orphanet 140162, MedGen C0027672, MeSH D009386, MONDO:0015356.

Submission:

Ambry Genetics
Classification: Uncertain significance for Hereditary cancer-predisposing syndrome. Last evaluated: 2026-04-24. Review status: criteria provided, single submitter. Criteria: Ambry Variant Classification Scheme 2023. Collection method: clinical testing. Allele origin: germline.
Comment: The p.S881C variant (also known as c.2642C>G), located in coding exon 15 of the APC gene, results from a C to G substitution at nucleotide position 2642. The serine at codon 881 is replaced by cysteine, an amino acid with dissimilar properties. This amino acid position is not well conserved in available vertebrate species. In addition, in silico predictors for this gene do not accurately predict pathogenicity. Missense variants in APC are not a common cause of disease (Spier I et al. Genet Med. 2024 Feb;26(2):100992). Based on the available evidence, the clinical significance of this variant remains unclear.

NM_000038.6(APC):c.2642C>G (p.Ser881Cys)

Gene: APC (APC regulator of Wnt signaling pathway; plus strand). Cytogenetic location: 5q22.2.
Variant type: single nucleotide variant.
Coding change: c.2642C>G on transcript NM_000038.6 (MANE Select); coding-DNA position 2642, C replaced by G.
Protein change: p.Ser881Cys; replaces serine 881 with cysteine.
Molecular consequence: missense variant. On other transcripts: non-coding transcript variant (2).
Genome position (GRCh38, 1-based): chr5:112,838,236, C>G. VCF-style: chr5-112838236-C-G. GRCh37 (hg19) VCF-style: chr5-112173933-C-G.
Other names: c.2642C>G, p.Ser881Cys (NM_001127510.3, NM_001354895.2, NM_001407450.1); c.2588C>G, p.Ser863Cys (NM_001127511.3); c.2696C>G, p.Ser899Cys (NM_001354896.2, NM_001407447.1, NM_001407448.1 and 1 more transcripts); c.2672C>G, p.Ser891Cys (NM_001354897.2); c.2567C>G, p.Ser856Cys (NM_001354898.2); c.2558C>G, p.Ser853Cys (NM_001354899.2); c.2519C>G, p.Ser840Cys (NM_001354900.2); c.2465C>G, p.Ser822Cys (NM_001354901.2, NM_001407453.1); and 11 more; short protein forms S497C, S598C, S721C, S752C, S755C, S780C, S790C, S798C.
Identifiers: ClinVar variation 4861183 (VCV004861183.1).